The following is an entry in ClinVar:

NM_201599.3(ZMYM3):c.2230A>C (p.Asn744His)

Gene: ZMYM3 (zinc finger MYM-type containing 3; minus strand). Cytogenetic location: Xq13.1.
Variant type: single nucleotide variant.
Coding change: c.2230A>C on transcript NM_201599.3 (MANE Select); coding-DNA position 2230, A replaced by C.
Protein change: p.Asn744His; replaces asparagine 744 with histidine.
Molecular consequence: missense variant.
Genome position (GRCh38, 1-based): chrX:71,247,429, T>G on the plus strand (A>C on the coding strand, the complement: ZMYM3 is on the minus strand). VCF-style: chrX-71247429-T-G. GRCh37 (hg19) VCF-style: chrX-70467279-T-G.
Other names: c.2230A>C, p.Asn744His (NM_001171162.1, NM_005096.3); short protein forms N744H.
Identifiers: ClinVar variation 4056915 (VCV004056915.1).

ClinVar aggregate classification (germline): Uncertain significance (1 of 4 stars; one submission).

gnomAD v4.1: 1 of 1,210,354 alleles (0.000083%); no homozygotes.

Submission:

GeneDx
Classification: Uncertain significance. Last evaluated: 2025-01-09. Review status: criteria provided, single submitter. Criteria: GeneDx Variant Classification Process June 2021. Collection method: clinical testing. Allele origin: germline. Affected: yes.
Comment: Not observed at significant frequency in large population cohorts (gnomAD); In silico analysis supports that this missense variant has a deleterious effect on protein structure/function; Has not been previously published as pathogenic or benign to our knowledge